The following is an entry in ClinVar:

NM_018975.4(TERF2IP):c.703G>A (p.Glu235Lys)

Gene: TERF2IP (TERF2 interacting protein; plus strand). Cytogenetic location: 16q23.1.
Variant type: single nucleotide variant.
Coding change: c.703G>A on transcript NM_018975.4 (MANE Select); coding-DNA position 703, G replaced by A.
Protein change: p.Glu235Lys; replaces glutamic acid 235 with lysine.
Molecular consequence: missense variant. On other transcripts: non-coding transcript variant (1).
Genome position (GRCh38, 1-based): chr16:75,654,305, G>A. VCF-style: chr16-75654305-G-A. GRCh37 (hg19) VCF-style: chr16-75688203-G-A.
Other names: short protein forms E235K.
Identifiers: ClinVar variation 2497031 (VCV002497031.2), dbSNP rs2151819841, ClinGen allele CA396818999.

ClinVar aggregate classification (germline): Uncertain significance (1 of 4 stars; one submission).

Allele frequency attached by ClinVar (database versions not stated): gnomAD exomes below 0.00001.
gnomAD v4.1: 1 of 1,613,888 alleles (0.000062%); highest among the groups gnomAD compares: South Asian, 0.0011%; no homozygotes.

Submission:

Ambry Genetics
Classification: Uncertain significance. Last evaluated: 2022-12-08. Review status: criteria provided, single submitter. Criteria: Ambry Variant Classification Scheme 2023. Collection method: clinical testing. Allele origin: germline.
Comment: The p.E235K variant (also known as c.703G>A), located in coding exon 2 of the TERF2IP gene, results from a G to A substitution at nucleotide position 703. The glutamic acid at codon 235 is replaced by lysine, an amino acid with similar properties. This amino acid position is conserved. In addition, this alteration is predicted to be tolerated by in silico analysis. Since supporting evidence is limited at this time, the clinical significance of this alteration remains unclear.